The following is an entry in ClinVar:

ClinVar aggregate classification (germline): Uncertain significance (1 of 4 stars; one submission).

Submission:

Labcorp Genetics (formerly Invitae), Labcorp
Classification: Uncertain significance. Last evaluated: 2022-09-01. Review status: criteria provided, single submitter. Criteria: Invitae Variant Classification Sherloc (09022015). Collection method: clinical testing. Allele origin: germline.
Comment: In summary, the available evidence is currently insufficient to determine the role of this variant in disease. Therefore, it has been classified as a Variant of Uncertain Significance. Experimental studies and prediction algorithms are not available or were not evaluated, and the functional significance of this variant is currently unknown. This variant has not been reported in the literature in individuals affected with DHX32-related conditions. This variant is not present in population databases (gnomAD no frequency). This sequence change creates a premature translational stop signal (p.Ser721Asnfs*4) in the DHX32 gene. While this is not anticipated to result in nonsense mediated decay, it is expected to disrupt the last 23 amino acid(s) of the DHX32 protein.

NM_018180.3(DHX32):c.2160_2161del (p.Ser721fs)

Genes: BCCIP (BRCA2 and CDKN1A interacting protein; plus strand), DHX32 (DEAH-box helicase 32 (putative); minus strand). Cytogenetic location: 10q26.2.
Variant type: Microsatellite.
Coding change: c.2160_2161del on transcript NM_018180.3 (MANE Select); coding-DNA positions 2160 to 2161, 2 bases deleted (GT; older notation c.2160_2161delGT).
Protein change: p.Ser721fs; shifts the reading frame from serine 721.
Molecular consequence: frameshift variant. On other transcripts: intron variant (2).
Genome position (GRCh38, 1-based): chr10:125,836,758-125,836,759, AC deleted on the plus strand (GT on the coding strand, the reverse complement: DHX32 is on the minus strand); deleting any 2 consecutive bases within chr10:125,836,758-125,836,762 gives the same sequence; the c. name uses the placement nearest the transcript's 3' end. VCF-style (leftmost placement, unchanged base first): chr10-125836757-GAC-G. GRCh37 (hg19) VCF-style: chr10-127525326-GAC-G.
Other names: c.774+2815_774+2816del (NM_016567.4, NM_078469.3); short protein forms S721fs.
Identifiers: ClinVar variation 2042157 (VCV002042157.4), dbSNP rs2494359462, ClinGen allele CA2580616884.